The following is an entry in ClinVar:

ClinVar aggregate classification (germline): Likely benign (1 of 4 stars; one submission).

Conditions:
Hypercholesterolemia, autosomal dominant, 3 (FHCL3). Also called: Familial Hypercholesterolemia, Autosomal Dominant, 3; PCSK9-Related Familial Hypercholesterolemia, Autosomal Dominant; Familial hypercholesterolemia 3. Identifiers: MedGen C1863551, MONDO:0011369, OMIM 603776.

Submission:

All of Us Research Program, National Institutes of Health
Classification: Likely benign for Hypercholesterolemia, autosomal dominant, 3. Last evaluated: 2023-11-02. Review status: criteria provided, single submitter. Criteria: ACMG Guidelines, 2015. Collection method: clinical testing. Allele origin: germline. Inheritance: Autosomal dominant inheritance. Observed: 1 variant allele, 1 heterozygote.
Comment: This study involves interpretation of variants in research participants for the purpose of population health screening. Participant phenotype was not available at the time of variant classification. Additional details can be found in publication PMID: 35346344, PMCID: PMC8962531

NM_174936.4(PCSK9):c.1062C>T (p.Asn354=)

Gene: PCSK9 (proprotein convertase subtilisin/kexin type 9; plus strand). Cytogenetic location: 1p32.3.
Variant type: single nucleotide variant.
Coding change: c.1062C>T on transcript NM_174936.4 (MANE Select); coding-DNA position 1062, C replaced by T.
Protein change: p.Asn354=; no amino-acid change (asparagine 354 retained).
Molecular consequence: synonymous variant. On other transcripts: non-coding transcript variant (7).
Genome position (GRCh38, 1-based): chr1:55,057,396, C>T. VCF-style: chr1-55057396-C-T. GRCh37 (hg19) VCF-style: chr1-55523069-C-T.
Other names: c.1185C>T, p.Asn395= (NM_001407240.1); c.1062C>T, p.Asn354= (NM_001407241.1, NM_001407244.1, NM_001407247.1); c.1065C>T, p.Asn355= (NM_001407242.1); c.1005C>T, p.Asn335= (NM_001407243.1); c.870C>T, p.Asn290= (NM_001407245.1); c.687C>T, p.Asn229= (NM_001407246.1).
Identifiers: ClinVar variation 3074272 (VCV003074272.1), dbSNP rs2523254655, ClinGen allele CA417960037.